The following is an entry in ClinVar:

NC_000003.12:g.(?_10052377)_(10150035_?)del

Genes: BRK1 (BRICK1 subunit of SCAR/WAVE actin nucleating complex; plus strand), FANCD2 (FA complementation group D2; plus strand), FANCD2OS (FANCD2 opposite strand; minus strand), VHL (von Hippel-Lindau tumor suppressor; plus strand). Cytogenetic location: 3p25.3.
Variant type: Deletion.
Identifiers: ClinVar variation 833211 (VCV000833211.1).

ClinVar aggregate classification (germline): Pathogenic (1 of 4 stars; one submission).

Conditions:
Chuvash polycythemia. Also called: POLYCYTHEMIA, VHL-DEPENDENT. Identifiers: Orphanet 238557, MedGen C1837915, MONDO:0009892, OMIM 263400.
Von Hippel-Lindau syndrome (VHLS). Also called: Von Hippel-Lindau; VHL syndrome; von Hippel–Lindau syndrome. Identifiers: Orphanet 892, MedGen C0019562, MONDO:0008667, OMIM 193300. Disease mechanism: loss of function.

Submission:

Labcorp Genetics (formerly Invitae), Labcorp
Classification: Pathogenic for Von Hippel-Lindau syndrome; Erythrocytosis, familial, 2. Last evaluated: 2019-11-07. Review status: criteria provided, single submitter. Criteria: Invitae Variant Classification Sherloc (09022015). Collection method: clinical testing. Allele origin: germline.
Comment: A gross deletion of the genomic region encompassing the full coding sequence of the VHL gene has been identified. The boundaries of this event are unknown as the deletion extends beyond the assayed region for this gene and therefore may encompass additional genes. Similar gross deletions have been observed in multiple individuals and families with von Hippel-Lindau disease (PMID: 19764026, 10830910, 19280651, 10567493, 8634692, 17537157, 20567917). Loss-of-function variants in VHL are known to be pathogenic (PMID: 8956040, 12202531). For these reasons, this variant has been classified as Pathogenic.

Literature cited by the submitters: PubMed 19764026; PubMed 8634692; PubMed 10830910; PubMed 10567493; PubMed 20567917; PubMed 17537157; PubMed 19280651.